The following is an entry in ClinVar:

ClinVar aggregate classification (germline): Uncertain significance (1 of 4 stars; one submission).

Submission:

CeGaT Center for Human Genetics Tuebingen
Classification: Uncertain significance. Last evaluated: 2025-03-01. Review status: criteria provided, single submitter. Criteria: CeGaT Center For Human Genetics Tuebingen Variant Classification Criteria Version 2. Collection method: clinical testing. Allele origin: germline. Affected: yes. Observed: 1 variant allele.
Comment: PPP1R12A: PM2, BP4

NM_002480.3(PPP1R12A):c.1262T>A (p.Ile421Asn)

Gene: PPP1R12A (protein phosphatase 1 regulatory subunit 12A; minus strand). Cytogenetic location: 12q21.2.
Variant type: single nucleotide variant.
Coding change: c.1262T>A on transcript NM_002480.3 (MANE Select); coding-DNA position 1262, T replaced by A.
Protein change: p.Ile421Asn; replaces isoleucine 421 with asparagine.
Molecular consequence: missense variant.
Genome position (GRCh38, 1-based): chr12:79,809,988, A>T on the plus strand (T>A on the coding strand, the complement: PPP1R12A is on the minus strand). VCF-style: chr12-79809988-A-T. GRCh37 (hg19) VCF-style: chr12-80203768-A-T.
Other names: c.1262T>A, p.Ile421Asn (NM_001143885.2, NM_001244990.2, NM_001244992.1); c.1001T>A, p.Ile334Asn (NM_001143886.2); short protein forms I334N, I421N.
Identifiers: ClinVar variation 3778610 (VCV003778610.7).
Genomic context (GRCh38, chr12:79,809,988, plus strand): 5'-CTAAGTCCTAACCTCCAAGTTGCAGGAGACTCATCTTTTCTCTCTTCTTCTTTGGGAGAA[A>T]TTTTTGTAGCTGTGGTTGGAAACTGTGTTTATTTTATTTTTTAGGAAAAGAAAAAAGAAT-3'
Protein context (NP_002471.1, residues 411-431): IKKFPTTATK[Ile421Asn]SPKEEERKDE